The following is an entry in ClinVar:

ClinVar aggregate classification (germline): Uncertain significance. Review status: criteria provided, multiple submitters, no conflicts (2 of 4 stars). 3 submissions from 3 submitters: Uncertain significance (3). Last evaluated 2026-04-01.

Conditions:
Joubert syndrome. Also called: JOUBERT-BOLTSHAUSER SYNDROME; Familial aplasia of the vermis. Identifiers: Orphanet 475, MedGen C5979921, MONDO:0018772.
Joubert syndrome 3 (JBTS3). Also called: AHI1-related Ciliopathy. Identifiers: Orphanet 220493, MedGen C1837713, MONDO:0012078, OMIM 608629.

Submissions (3):

GeneDx
Classification: Uncertain significance. Last evaluated: 2026-04-01. Review status: criteria provided, single submitter. Criteria: GeneDx Variant Classification Process June 2021. Collection method: clinical testing. Allele origin: germline.
Comment: Not observed at significant frequency in large population cohorts (gnomAD); In silico analysis supports that this missense variant has a deleterious effect on protein structure/function; Has not been previously published as pathogenic or benign to our knowledge; This variant is associated with the following publications: (PMID: 15467982)

3billion
Classification: Uncertain significance for Joubert syndrome 3. Last evaluated: 2025-10-02. Review status: criteria provided, single submitter. Criteria: ACMG Guidelines, 2015. Collection method: clinical testing. Allele origin: germline. Affected: yes.
Comment: The variant is not observed in the gnomAD v4.1.0 dataset. Predicted Consequence/Location: Missense variant. The majority of the known disease-causing variants of this gene are variants expected to result in premature termination of the protein. Damaging effect on gene or gene product predicted by in silico programs is uncertain [REVEL: 0.59 (damaging >=0.6, benign <0.4)]. The variant has been reported as of uncertain significance (ClinVar ID: VCV001346188). Therefore, this variant is classified as VUS according to the recommendation of ACMG/AMP guideline.

Labcorp Genetics (formerly Invitae), Labcorp
Classification: Uncertain significance for Joubert syndrome. Last evaluated: 2022-05-13. Review status: criteria provided, single submitter. Criteria: Invitae Variant Classification Sherloc (09022015). Collection method: clinical testing. Allele origin: germline.
Comment: In summary, the available evidence is currently insufficient to determine the role of this variant in disease. Therefore, it has been classified as a Variant of Uncertain Significance. Advanced modeling of protein sequence and biophysical properties (such as structural, functional, and spatial information, amino acid conservation, physicochemical variation, residue mobility, and thermodynamic stability) performed at Invitae indicates that this missense variant is expected to disrupt AHI1 protein function. This variant has not been reported in the literature in individuals affected with AHI1-related conditions. This variant is not present in population databases (gnomAD no frequency). This sequence change replaces aspartic acid, which is acidic and polar, with valine, which is neutral and non-polar, at codon 1068 of the AHI1 protein (p.Asp1068Val).

NM_001134831.2(AHI1):c.3203A>T (p.Asp1068Val)

Gene: AHI1 (Abelson helper integration site 1; minus strand). Cytogenetic location: 6q23.3.
Variant type: single nucleotide variant.
Coding change: c.3203A>T on transcript NM_001134831.2 (MANE Select); coding-DNA position 3203, A replaced by T.
Protein change: p.Asp1068Val; replaces aspartic acid 1068 with valine.
Molecular consequence: missense variant.
Genome position (GRCh38, 1-based): chr6:135,323,287, T>A on the plus strand (A>T on the coding strand, the complement: AHI1 is on the minus strand). VCF-style: chr6-135323287-T-A. GRCh37 (hg19) VCF-style: chr6-135644425-T-A.
Other names: c.3203A>T, p.Asp1068Val (NM_001134830.2, NM_001350503.2, NM_001350504.2 and 1 more transcripts); c.3203A>T (NM_017651.4); short protein forms D1068V.
Identifiers: ClinVar variation 1346188 (VCV001346188.7), dbSNP rs2128384768, ClinGen allele CA365845744.